The following is an entry in ClinVar:

ClinVar aggregate classification (germline): Conflicting classifications of pathogenicity. Review status: criteria provided, conflicting classifications (1 of 4 stars). 2 submissions from 2 submitters: Likely pathogenic (1); Uncertain significance (1). Last evaluated 2025-07-15.

Conditions:
Severe early-childhood-onset retinal dystrophy (STGD1). Also called: Stargardt macular dystrophy; Juvenile onset macular degeneration; Stargardt disease 1; MACULAR DYSTROPHY WITH FLECKS, TYPE 1; STGD. Identifiers: Orphanet 364055, Orphanet 827, MedGen C1855465, MeSH D000080362, MONDO:0009549, OMIM 248200.
Cone-rod dystrophy 3 (CORD3). Identifiers: Orphanet 1872, MedGen C1858806, MONDO:0011395, OMIM 604116.
Retinitis pigmentosa 19 (RP19). Also called: ABCA4-Related Retinitis Pigmentosa. Identifiers: Orphanet 791, MedGen C1866422, MONDO:0011137, OMIM 601718.
ABCA4-related disorder. Also called: ABCA4-related condition; ABCA4-related disorders. Identifiers: MedGen CN239167.

Allele frequency attached by ClinVar (database versions not stated): gnomAD 0.00001; gnomAD exomes 0.00001; TOPMed 0.00002.
gnomAD v4.1: 6 of 1,614,140 alleles (0.00037%); highest among the groups gnomAD compares: Non-Finnish European, 0.00051%; no homozygotes.

Submissions (2):

Women's Health and Genetics/Laboratory Corporation of America, LabCorp
Classification: Uncertain significance. Last evaluated: 2025-07-15. Review status: criteria provided, single submitter. Criteria: LabCorp Variant Classification Summary - May 2015. Collection method: clinical testing. Allele origin: germline.
Comment: Variant summary: ABCA4 c.3148G>A (p.Gly1050Ser) results in a non-conservative amino acid change located in the ABC transporter-like, ATP-binding domain (IPR003439) of the encoded protein sequence. Algorithms developed to predict the effect of missense changes on protein structure and function all suggest that this variant is likely to be disruptive. The variant allele was found at a frequency of 4e-06 in 251290 control chromosomes. The available data on variant occurrences in the general population are insufficient to allow any conclusion about variant significance. c.3148G>A has been reported in the literature in individuals affected with ABCA4-related retinopathy (Zernant_2011). These report(s) do not provide unequivocal conclusions about association of the variant with Retinitis Pigmentosa. To our knowledge, no experimental evidence demonstrating an impact on protein function has been reported. The following publication have been ascertained in the context of this evaluation (PMID: 21911583). ClinVar contains an entry for this variant (Variation ID: 2202794). Based on the evidence outlined above, the variant was classified as uncertain significance.

Labcorp Genetics (formerly Invitae), Labcorp
Classification: Likely pathogenic. Last evaluated: 2024-07-04. Review status: criteria provided, single submitter. Criteria: Invitae Variant Classification Sherloc (09022015). Collection method: clinical testing. Allele origin: germline.
Comment: This sequence change replaces glycine, which is neutral and non-polar, with serine, which is neutral and polar, at codon 1050 of the ABCA4 protein (p.Gly1050Ser). This variant is not present in population databases (gnomAD no frequency). This missense change has been observed in individual(s) with clinical features of ABCA4-related retinopathy (PMID: 21911583). ClinVar contains an entry for this variant (Variation ID: 2202794). Advanced modeling of protein sequence and biophysical properties (such as structural, functional, and spatial information, amino acid conservation, physicochemical variation, residue mobility, and thermodynamic stability) performed at Invitae indicates that this missense variant is expected to disrupt ABCA4 protein function with a positive predictive value of 95%. This variant disrupts the p.Gly1050 amino acid residue in ABCA4. Other variant(s) that disrupt this residue have been determined to be pathogenic (PMID: 11702214). This suggests that this residue is clinically significant, and that variants that disrupt this residue are likely to be disease-causing. In summary, the currently available evidence indicates that the variant is pathogenic, but additional data are needed to prove that conclusively. Therefore, this variant has been classified as Likely Pathogenic.

Literature cited by the submitters: PubMed 21911583 (cited by Women's Health and Genetics/Laboratory Corporation of America, LabCorp and Labcorp Genetics (formerly Invitae), Labcorp); PubMed 11702214 (cited by Labcorp Genetics (formerly Invitae), Labcorp).

NM_000350.3(ABCA4):c.3148G>A (p.Gly1050Ser)

Gene: ABCA4 (ATP binding cassette subfamily A member 4; minus strand). Cytogenetic location: 1p22.1.
Variant type: single nucleotide variant.
Coding change: c.3148G>A on transcript NM_000350.3 (MANE Select); coding-DNA position 3148, G replaced by A.
Protein change: p.Gly1050Ser; replaces glycine 1050 with serine.
Molecular consequence: missense variant.
Genome position (GRCh38, 1-based): chr1:94,043,378, C>T on the plus strand (G>A on the coding strand, the complement: ABCA4 is on the minus strand). VCF-style: chr1-94043378-C-T. GRCh37 (hg19) VCF-style: chr1-94508934-C-T.
Other names: c.3148G>A (NM_000350.2); c.2926G>A, p.Gly976Ser (NM_001425324.1); short protein forms G1050S, G976S.
Identifiers: ClinVar variation 2202794 (VCV002202794.7), dbSNP rs1034969302, ClinGen allele CA26866329.